The following is an entry in ClinVar:

ClinVar aggregate classification (germline): Uncertain significance (1 of 4 stars; one submission).

Submission:

GeneDx
Classification: Uncertain significance. Last evaluated: 2026-02-28. Review status: criteria provided, single submitter. Criteria: GeneDx Variant Classification Process June 2021. Collection method: clinical testing. Allele origin: germline.
Comment: Not observed at significant frequency in large population cohorts (gnomAD); In silico analysis supports that this missense variant has a deleterious effect on protein structure/function; Has not been previously published as pathogenic or benign to our knowledge

NM_001005273.3(CHD3):c.1591G>A (p.Asp531Asn)

Gene: CHD3 (chromodomain helicase DNA binding protein 3; plus strand). Cytogenetic location: 17p13.1.
Variant type: single nucleotide variant.
Coding change: c.1591G>A on transcript NM_001005273.3 (MANE Select); coding-DNA position 1591, G replaced by A.
Protein change: p.Asp531Asn; replaces aspartic acid 531 with asparagine.
Molecular consequence: missense variant.
Genome position (GRCh38, 1-based): chr17:7,895,426, G>A. VCF-style: chr17-7895426-G-A. GRCh37 (hg19) VCF-style: chr17-7798744-G-A.
Other names: c.1768G>A, p.Asp590Asn (NM_001005271.3, NM_001437504.1); c.1756G>A, p.Asp586Asn (NM_001437507.1, NM_001437508.1, NM_001437509.1); c.1591G>A, p.Asp531Asn (NM_005852.4); short protein forms D531N, D586N, D590N.
Identifiers: ClinVar variation 5008252 (VCV005008252.1).